The following is an entry in ClinVar:

ClinVar aggregate classification (germline): Conflicting classifications of pathogenicity. Review status: criteria provided, conflicting classifications (1 of 4 stars). 9 submissions from 9 submitters: Uncertain significance (8); Likely benign (1). Last evaluated 2025-09-22.

Conditions:
Hereditary cancer-predisposing syndrome. Also called: Neoplastic Syndromes, Hereditary; Tumor predisposition; Hereditary neoplastic syndrome; Hereditary Cancer Syndrome. Identifiers: Orphanet 140162, MedGen C0027672, MeSH D009386, MONDO:0015356.
Hereditary diffuse gastric adenocarcinoma (HDGC). Also called: DIFFUSE GASTRIC AND LOBULAR BREAST CANCER SYNDROME. Identifiers: Orphanet 26106, MedGen C1708349, MONDO:0007648, OMIM 137215.
Familial cancer of breast. Also called: BREAST CANCER, FAMILIAL; Hereditary breast cancer; hereditary breast carcinoma. Identifiers: Orphanet 227535, MedGen C0346153, MONDO:0016419, OMIM 114480. Disease mechanism: loss of function.

Allele frequency attached by ClinVar (database versions not stated): ExAC 0.00001; gnomAD 0.00001; gnomAD exomes 0.00001; TOPMed 0.00002.
gnomAD v4.1: 21 of 1,614,106 alleles (0.0013%); highest among the groups gnomAD compares: Non-Finnish European, 0.0017%; no homozygotes.

Submissions (9):

Women's Health and Genetics/Laboratory Corporation of America, LabCorp
Classification: Uncertain significance. Last evaluated: 2025-09-22. Review status: criteria provided, single submitter. Criteria: LabCorp Variant Classification Summary - May 2015. Collection method: clinical testing. Allele origin: germline.

Labcorp Genetics (formerly Invitae), Labcorp
Classification: Uncertain significance for Hereditary diffuse gastric adenocarcinoma. Last evaluated: 2025-01-23. Review status: criteria provided, single submitter. Criteria: Invitae Variant Classification Sherloc (09022015). Collection method: clinical testing. Allele origin: germline.
Comment: This sequence change replaces threonine, which is neutral and polar, with asparagine, which is neutral and polar, at codon 509 of the CDH1 protein (p.Thr509Asn). This variant is present in population databases (rs771551231, gnomAD 0.002%). This missense change has been observed in individual(s) with a personal history of cancer (PMID: 36436516). ClinVar contains an entry for this variant (Variation ID: 239884). An algorithm developed to predict the effect of missense changes on protein structure and function (PolyPhen-2) suggests that this variant¬†is likely to be tolerated. In summary, the available evidence is currently insufficient to determine the role of this variant in disease. Therefore, it has been classified as a Variant of Uncertain Significance.

GeneDx
Classification: Uncertain significance. Last evaluated: 2024-06-26. Review status: criteria provided, single submitter. Criteria: GeneDx Variant Classification Process June 2021. Collection method: clinical testing. Allele origin: germline. Affected: yes.
Comment: Not observed at significant frequency in large population cohorts (gnomAD); In silico analysis supports that this missense variant has a deleterious effect on protein structure/function; Observed in breast cancer cases but also in unaffected controls (PMID: 33471991); This variant is associated with the following publications: (PMID: 36436516, 33471991, 15235021, 22850631)

Baylor Genetics
Classification: Uncertain significance for Familial cancer of breast. Last evaluated: 2024-03-24. Review status: criteria provided, single submitter. Criteria: ACMG Guidelines, 2015. Collection method: clinical testing. Allele origin: unknown.

Color Diagnostics, LLC DBA Color Health
Classification: Uncertain significance for Hereditary cancer-predisposing syndrome. Last evaluated: 2024-01-03. Review status: criteria provided, single submitter. Criteria: ACMG Guidelines, 2015. Collection method: clinical testing. Allele origin: germline.
Comment: This missense variant replaces threonine with asparagine at codon 509 of the CDH1 protein. To our knowledge, functional studies have not been reported for this variant. This variant has been reported in an individual affected with an unspecified cancer (PMID: 36436516) and in a large breast cancer case-control study, this variant has been reported in 1/60466 cases and 1/53461 unaffected controls (PMID: 33471991). This variant has been identified in 2/251480 chromosomes in the general population by the Genome Aggregation Database (gnomAD). The available evidence is insufficient to determine the role of this variant in disease conclusively. Therefore, this variant is classified as a Variant of Uncertain Significance.

Quest Diagnostics Nichols Institute San Juan Capistrano
Classification: Uncertain significance. Last evaluated: 2023-05-04. Review status: criteria provided, single submitter. Criteria: Quest Diagnostics criteria. Collection method: clinical testing. Allele origin: unknown.
Comment: The frequency of this variant in the general population, 0.000008 (2/251480 chromosomes), is uninformative in assessment of its pathogenicity. In the published literature, the variant was found both in individuals with breast cancer as well as unaffected individuals in a large breast cancer association study (PMID: 33471991 (2021), see also LOVD. Analysis of this variant using bioinformatics tools for the prediction of the effect of amino acid changes on protein structure and function yielded conflicting predictions that this variant is benign or damaging. Based on the available information, we are unable to determine the clinical significance of this variant.

Ambry Genetics
Classification: Likely benign for Hereditary cancer-predisposing syndrome. Last evaluated: 2022-10-20. Review status: criteria provided, single submitter. Criteria: Ambry Variant Classification Scheme 2023. Collection method: clinical testing. Allele origin: germline.

European Reference Network on Genetic Tumour Risk Syndromes (ERN-GENTURIS), i3s - Instituto de Investigação e Inovação em Saúde, University of Porto
Classification: Uncertain significance for Hereditary diffuse gastric adenocarcinoma. Last evaluated: 2022-08-01. Review status: criteria provided, single submitter. Criteria: Lee et al. (Hum Mutat. 2018). Collection method: clinical testing. Allele origin: germline. Inheritance: Autosomal dominant inheritance. Affected: no. Study: ERN GENTURIS.
Comment: PM2 (PMID: 30311375)

PreventionGenetics, part of Exact Sciences
Classification: Uncertain significance. Last evaluated: 2017-11-28. Review status: criteria provided, single submitter. Criteria: ACMG Guidelines, 2015. Collection method: clinical testing. Allele origin: germline.

Literature cited by the submitters: PubMed 36436516 (cited by 3 submitters); PubMed 33471991 (cited by 3 submitters).

NM_004360.5(CDH1):c.1526C>A (p.Thr509Asn)

Gene: CDH1 (cadherin 1; plus strand). Cytogenetic location: 16q22.1.
Variant type: single nucleotide variant.
Coding change: c.1526C>A on transcript NM_004360.5 (MANE Select); coding-DNA position 1526, C replaced by A.
Protein change: p.Thr509Asn; replaces threonine 509 with asparagine.
Molecular consequence: missense variant. On other transcripts: 5 prime UTR variant (2).
Genome position (GRCh38, 1-based): chr16:68,815,720, C>A. VCF-style: chr16-68815720-C-A. GRCh37 (hg19) VCF-style: chr16-68849623-C-A.
Other names: c.1526C>A (LRG_301t1); c.1343C>A, p.Thr448Asn (NM_001317184.2); c.-23C>A (NM_001317185.2); c.-294C>A (NM_001317186.2); short protein forms T509N, T448N.
Identifiers: ClinVar variation 239884 (VCV000239884.24), dbSNP rs771551231, ClinGen allele CA8130090.